The following is an entry in ClinVar:

NM_001463.4(FRZB):c.450C>T (p.Pro150=)

Gene: FRZB (frizzled related protein; minus strand). Cytogenetic location: 2q32.1.
Variant type: single nucleotide variant.
Coding change: c.450C>T on transcript NM_001463.4 (MANE Select); coding-DNA position 450, C replaced by T.
Protein change: p.Pro150=; no amino-acid change (proline 150 retained).
Molecular consequence: synonymous variant.
Genome position (GRCh38, 1-based): chr2:182,866,103, G>A on the plus strand (C>T on the coding strand, the complement: FRZB is on the minus strand). VCF-style: chr2-182866103-G-A. GRCh37 (hg19) VCF-style: chr2-183730831-G-A.
Identifiers: ClinVar variation 3039483 (VCV003039483.2), dbSNP rs144510376, ClinGen allele CA2014040.

ClinVar aggregate classification (germline): Likely benign (0 of 4 stars; one submission).

Conditions:
FRZB-related disorder. Also called: FRZB-related condition.

Allele frequency attached by ClinVar (database versions not stated): gnomAD 0.00009; TOPMed 0.00012; ESP Exome Variant Server 0.00015.

Submission:

PreventionGenetics, part of Exact Sciences
Classification: Likely benign for FRZB-related condition. Last evaluated: 2019-05-23. Review status: no assertion criteria provided. Collection method: clinical testing. Allele origin: germline.
Comment: This variant is classified as likely benign based on ACMG/AMP sequence variant interpretation guidelines (Richards et al. 2015 PMID: 25741868, with internal and published modifications).